The following is an entry in ClinVar:

NM_006904.7(PRKDC):c.974A>G (p.Asn325Ser)

Gene: PRKDC (protein kinase, DNA-activated, catalytic subunit; minus strand). Cytogenetic location: 8q11.21.
Variant type: single nucleotide variant.
Coding change: c.974A>G on transcript NM_006904.7 (MANE Select); coding-DNA position 974, A replaced by G.
Protein change: p.Asn325Ser; replaces asparagine 325 with serine.
Molecular consequence: missense variant.
Genome position (GRCh38, 1-based): chr8:47,939,690, T>C on the plus strand (A>G on the coding strand, the complement: PRKDC is on the minus strand). VCF-style: chr8-47939690-T-C. GRCh37 (hg19) VCF-style: chr8-48852250-T-C.
Other names: c.974A>G, p.Asn325Ser (NM_001081640.2); short protein forms N325S.
Identifiers: ClinVar variation 2449851 (VCV002449851.2), dbSNP rs1478254467, ClinGen allele CA371166863.

ClinVar aggregate classification (germline): Uncertain significance (1 of 4 stars; one submission).

gnomAD v4.1: 1 of 1,595,960 alleles (0.000063%); highest among the groups gnomAD compares: South Asian, 0.0011%; no homozygotes.

Submission:

Ambry Genetics
Classification: Uncertain significance. Last evaluated: 2022-12-26. Review status: criteria provided, single submitter. Criteria: Ambry Variant Classification Scheme 2023. Collection method: clinical testing. Allele origin: germline.
Comment: The p.N325S variant (also known as c.974A>G), located in coding exon 11 of the PRKDC gene, results from an A to G substitution at nucleotide position 974. The asparagine at codon 325 is replaced by serine, an amino acid with highly similar properties. This amino acid position is conserved. In addition, this alteration is predicted to be tolerated by in silico analysis. Since supporting evidence is limited at this time, the clinical significance of this alteration remains unclear.